The following is an entry in ClinVar:

ClinVar aggregate classification (germline): Uncertain significance (1 of 4 stars; one submission).

Submission:

GeneDx
Classification: Uncertain significance. Last evaluated: 2024-02-26. Review status: criteria provided, single submitter. Criteria: GeneDx Variant Classification Process June 2021. Collection method: clinical testing. Allele origin: germline. Affected: yes.
Comment: Not observed at significant frequency in large population cohorts (gnomAD); In silico analysis supports that this missense variant has a deleterious effect on protein structure/function; Has not been previously published as pathogenic or benign to our knowledge

NM_139137.4(KCNC2):c.317G>A (p.Arg106Gln)

Gene: KCNC2 (potassium voltage-gated channel subfamily C member 2; minus strand). Cytogenetic location: 12q21.1.
Variant type: single nucleotide variant.
Coding change: c.317G>A on transcript NM_139137.4 (MANE Select); coding-DNA position 317, G replaced by A.
Protein change: p.Arg106Gln; replaces arginine 106 with glutamine.
Molecular consequence: missense variant. On other transcripts: non-coding transcript variant (2).
Genome position (GRCh38, 1-based): chr12:75,207,667, C>T on the plus strand (G>A on the coding strand, the complement: KCNC2 is on the minus strand). VCF-style: chr12-75207667-C-T. GRCh37 (hg19) VCF-style: chr12-75601447-C-T.
Other names: c.317G>A, p.Arg106Gln (NM_001260497.2, NM_001260498.2, NM_001260499.2 and 13 more transcripts); short protein forms R106Q.
Identifiers: ClinVar variation 3369847 (VCV003369847.1).